The following is an entry in ClinVar:

NM_001369268.1(ACAN):c.83C>T (p.Ser28Leu)

Gene: ACAN (aggrecan; plus strand). Cytogenetic location: 15q26.1.
Variant type: single nucleotide variant.
Coding change: c.83C>T on transcript NM_001369268.1 (MANE Select); coding-DNA position 83, C replaced by T.
Protein change: p.Ser28Leu; replaces serine 28 with leucine.
Molecular consequence: missense variant.
Genome position (GRCh38, 1-based): chr15:88,838,675, C>T. VCF-style: chr15-88838675-C-T. GRCh37 (hg19) VCF-style: chr15-89381906-C-T.
Other names: c.83C>T, p.Ser28Leu (NM_001411097.1, NM_013227.4, NM_001135.4 and 1 more transcripts); short protein forms S28L.
Identifiers: ClinVar variation 5020242 (VCV005020242.1).

ClinVar aggregate classification (germline): Uncertain significance (1 of 4 stars; one submission).

gnomAD v4.1: 6 of 1,584,144 alleles (0.00038%); highest among the groups gnomAD compares: East Asian, 0.0022%; no homozygotes.

Submission:

Dasa
Classification: Uncertain significance. Last evaluated: 2026-07-04. Review status: criteria provided, single submitter. Criteria: DASA Assertion Criteria. Collection method: clinical testing. Allele origin: germline.
Comment: NM_001369268.1(ACAN):c.83C>T (p.Ser28Leu) is a missense variant that results in the substitution of serine with leucine. This variant is rare in population databases. Computational prediction algorithms are consistent with a benign effect. The currently available literature and clinical evidence are not sufficient to establish a definitive association between this variant and the reported condition. Therefore, this variant is classified as a variant of uncertain significance.